The following is an entry in ClinVar:

ClinVar aggregate classification (germline): Uncertain significance (1 of 4 stars; one submission).

Submission:

GeneDx
Classification: Uncertain significance. Last evaluated: 2023-04-28. Review status: criteria provided, single submitter. Criteria: GeneDx Variant Classification Process June 2021. Collection method: clinical testing. Allele origin: germline. Affected: yes.
Comment: Not observed at significant frequency in large population cohorts (gnomAD); Canonical splice site variant in a gene or region of a gene for which loss of function is not a well-established mechanism of disease; Has not been previously published as pathogenic or benign to our knowledge; Variants in candidate genes are classified as variants of uncertain significance in accordance with ACMG guidelines (Richards et al., 2015)

NM_004521.3(KIF5B):c.2032+1delinsTT

Gene: KIF5B (kinesin family member 5B; minus strand). Cytogenetic location: 10p11.22.
Variant type: Indel.
Coding change: c.2032+1delinsTT on transcript NM_004521.3 (MANE Select); the canonical splice donor site of the intron after coding-DNA position 2032, G replaced by TT.
Molecular consequence: splice donor variant.
Genome position (GRCh38, 1-based): chr10:32,022,139, C replaced by AA on the plus strand (G replaced by TT on the coding strand, the reverse complement: KIF5B is on the minus strand). VCF-style: chr10-32022139-C-AA. GRCh37 (hg19) VCF-style: chr10-32311067-C-AA.
Identifiers: ClinVar variation 3343227 (VCV003343227.1).